The following is an entry in ClinVar:

ClinVar aggregate classification (germline): Benign/Likely benign. Review status: criteria provided, multiple submitters, no conflicts (2 of 4 stars). 3 submissions from 3 submitters: Benign (1); Likely benign (2). Last evaluated 2025-09-12.

Conditions:
Hereditary cancer-predisposing syndrome. Also called: Tumor predisposition; Hereditary neoplastic syndrome; Neoplastic Syndromes, Hereditary; Hereditary Cancer Syndrome. Identifiers: Orphanet 140162, MedGen C0027672, MeSH D009386, MONDO:0015356.
Multiple endocrine neoplasia, type 1 (MEN1). Also called: MEN I; WERMER SYNDROME; MEA I; Endocrine adenomatosis multiple; MEN 1. Identifiers: Orphanet 652, MedGen C0025267, MeSH D018761, MONDO:0007540, OMIM 131100.

Allele frequency attached by ClinVar (database versions not stated): gnomAD exomes 0.00001.

Submissions (3):

Labcorp Genetics (formerly Invitae), Labcorp
Classification: Likely benign for Multiple endocrine neoplasia, type 1. Last evaluated: 2025-09-12. Review status: criteria provided, single submitter. Criteria: Invitae Variant Classification Sherloc (09022015). Collection method: clinical testing. Allele origin: germline.

Myriad Genetics, Inc.
Classification: Benign for Multiple endocrine neoplasia, type 1. Last evaluated: 2024-11-05. Review status: criteria provided, single submitter. Criteria: Myriad Autosomal Dominant, Autosomal Recessive and X-Linked Classification Criteria (2023). Collection method: clinical testing. Allele origin: unknown.
Comment: This variant is considered benign. This variant is a silent/synonymous amino acid change and it is not expected to impact splicing.

Ambry Genetics
Classification: Likely benign for Hereditary cancer-predisposing syndrome. Last evaluated: 2021-08-11. Review status: criteria provided, single submitter. Criteria: Ambry Variant Classification Scheme 2023. Collection method: clinical testing. Allele origin: germline.

NM_001370259.2(MEN1):c.1467A>G (p.Pro489=)

Gene: MEN1 (menin 1; minus strand). Cytogenetic location: 11q13.1.
Variant type: single nucleotide variant.
Coding change: c.1467A>G on transcript NM_001370259.2 (MANE Select); coding-DNA position 1467, A replaced by G.
Protein change: p.Pro489=; no amino-acid change (proline 489 retained).
Molecular consequence: synonymous variant.
Genome position (GRCh38, 1-based): chr11:64,804,700, T>C on the plus strand (A>G on the coding strand, the complement: MEN1 is on the minus strand). VCF-style: chr11-64804700-T-C. GRCh37 (hg19) VCF-style: chr11-64572172-T-C.
Other names: c.1482A>G, p.Pro494= (NM_000244.4, NM_130800.3, NM_130801.3 and 3 more transcripts); c.1593A>G, p.Pro531= (NM_001370251.2); c.1467A>G, p.Pro489= (NM_001370260.2, NM_001370261.2, NM_130799.3); c.1362A>G, p.Pro454= (NM_001370262.2, NM_001370263.2).
Identifiers: ClinVar variation 705520 (VCV000705520.12), dbSNP rs1592632826, ClinGen allele CA475163216.
Genomic context (GRCh38, chr11:64,804,700, plus strand): 5'-ACCCTGGCCGGTGCCCAGGCCCTTGTCCAGTGCTGGCTTCTTGGGCGGCGGGGGCTCCTC[T>C]GGCTTGGACTCCCGCCGTGGGCCCCGCCGCCGGCCTTCCCGGGCTTCCTCGCCCCACGGC-3'
Protein context (NP_001357188.2, residues 479-499): RRRGPRRESK[Pro489=]EEPPPPKKPA